The following is an entry in ClinVar:

ClinVar aggregate classification (germline): Uncertain significance (1 of 4 stars; one submission).

gnomAD v4.1: 1 of 1,614,102 alleles (0.000062%); highest among the groups gnomAD compares: Non-Finnish European, 0.000085%; no homozygotes.

Submission:

Labcorp Genetics (formerly Invitae), Labcorp
Classification: Uncertain significance. Last evaluated: 2025-03-24. Review status: criteria provided, single submitter. Criteria: Invitae Variant Classification Sherloc (09022015). Collection method: clinical testing. Allele origin: germline.
Comment: This sequence change replaces arginine, which is basic and polar, with methionine, which is neutral and non-polar, at codon 5416 of the HMCN1 protein (p.Arg5416Met). This variant is not present in population databases (gnomAD no frequency). This variant has not been reported in the literature in individuals affected with HMCN1-related conditions. An algorithm developed to predict the effect of missense changes on protein structure and function (PolyPhen-2) suggests that this variant is likely to be disruptive. In summary, the available evidence is currently insufficient to determine the role of this variant in disease. Therefore, it has been classified as a Variant of Uncertain Significance.

NM_031935.3(HMCN1):c.16247G>T (p.Arg5416Met)

Gene: HMCN1 (hemicentin 1; plus strand). Cytogenetic location: 1q31.1.
Variant type: single nucleotide variant.
Coding change: c.16247G>T on transcript NM_031935.3 (MANE Select); coding-DNA position 16247, G replaced by T.
Protein change: p.Arg5416Met; replaces arginine 5416 with methionine.
Molecular consequence: missense variant.
Genome position (GRCh38, 1-based): chr1:186,178,719, G>T. VCF-style: chr1-186178719-G-T. GRCh37 (hg19) VCF-style: chr1-186147851-G-T.
Other names: short protein forms R5416M.
Identifiers: ClinVar variation 4715507 (VCV004715507.1).